The following is an entry in ClinVar:

NM_006009.4(TUBA1A):c.23A>G (p.His8Arg)

Gene: TUBA1A (tubulin alpha 1a; minus strand). Cytogenetic location: 12q13.12.
Variant type: single nucleotide variant.
Coding change: c.23A>G on transcript NM_006009.4 (MANE Select); coding-DNA position 23, A replaced by G.
Protein change: p.His8Arg; replaces histidine 8 with arginine.
Molecular consequence: missense variant. On other transcripts: 5 prime UTR variant (1).
Genome position (GRCh38, 1-based): chr12:49,186,814, T>C on the plus strand (A>G on the coding strand, the complement: TUBA1A is on the minus strand). VCF-style: chr12-49186814-T-C. GRCh37 (hg19) VCF-style: chr12-49580597-T-C.
Other names: c.23A>G, p.His8Arg (NM_001270399.2); c.-83A>G (NM_001270400.2); short protein forms H8R.
Identifiers: ClinVar variation 5007634 (VCV005007634.1).

ClinVar aggregate classification (germline): Uncertain significance (1 of 4 stars; one submission).

Conditions:
Lissencephaly due to TUBA1A mutation (CDCBM16). Also called: CORTICAL DYSPLASIA, COMPLEX, WITH OTHER BRAIN MALFORMATIONS 16; Lissencephaly 3. Identifiers: Orphanet 171680, MedGen C4305153, MONDO:0012703, OMIM 611603.

Submission:

Juno Genomics, Hangzhou Juno Genomics, Inc
Classification: Uncertain significance for Lissencephaly due to TUBA1A mutation. Review status: criteria provided, single submitter. Criteria: ACMG Guidelines, 2015. Collection method: clinical testing. Allele origin: germline. Affected: yes.
Comment: Absent from controls (or at extremely low frequency if recessive) in Genome Aggregation Database.;Multiple lines of computational evidence support a deleterious effect on the gene or gene product.;Missense variant in a gene that has a low rate of benign missense variation.